The following is an entry in ClinVar:

ClinVar aggregate classification (germline): Pathogenic (1 of 4 stars; one submission).

Submission:

Labcorp Genetics (formerly Invitae), Labcorp
Classification: Pathogenic. Last evaluated: 2022-08-31. Review status: criteria provided, single submitter. Criteria: Invitae Variant Classification Sherloc (09022015). Collection method: clinical testing. Allele origin: germline.
Comment: For these reasons, this variant has been classified as Pathogenic. This variant has not been reported in the literature in individuals affected with LRRK1-related conditions. This variant is not present in population databases (gnomAD no frequency). This sequence change creates a premature translational stop signal (p.Trp1172*) in the LRRK1 gene. It is expected to result in an absent or disrupted protein product. Loss-of-function variants in LRRK1 are known to be pathogenic (PMID: 23526378, 31571209, 32119750).

Literature cited by the submitters: PubMed 23526378; PubMed 31571209; PubMed 32119750.

NM_024652.6(LRRK1):c.3515G>A (p.Trp1172Ter)

Genes: LRRK1 (leucine rich repeat kinase 1; plus strand), LRRK1-AS1 (LRRK1 antisense RNA 1; minus strand). Cytogenetic location: 15q26.3.
Variant type: single nucleotide variant.
Coding change: c.3515G>A on transcript NM_024652.6 (MANE Select); coding-DNA position 3515, G replaced by A.
Protein change: p.Trp1172Ter; replaces tryptophan 1172 with a stop codon.
Molecular consequence: nonsense.
Genome position (GRCh38, 1-based): chr15:101,051,786, G>A. VCF-style: chr15-101051786-G-A. GRCh37 (hg19) VCF-style: chr15-101591991-G-A.
Other names: short protein forms W1172*.
Identifiers: ClinVar variation 2028154 (VCV002028154.4), dbSNP rs2505449670, ClinGen allele CA393952613.